The following is an entry in ClinVar:

ClinVar aggregate classification (germline): Uncertain significance (1 of 4 stars; one submission).

Allele frequency attached by ClinVar (database versions not stated): TOPMed 0.00001; gnomAD 0.00002.
gnomAD v4.1: 46 of 1,611,528 alleles (0.0029%); highest among the groups gnomAD compares: South Asian, 0.043%; no homozygotes.

Submission:

Labcorp Genetics (formerly Invitae), Labcorp
Classification: Uncertain significance. Last evaluated: 2021-12-09. Review status: criteria provided, single submitter. Criteria: Invitae Variant Classification Sherloc (09022015). Collection method: clinical testing. Allele origin: germline.
Comment: This sequence change replaces arginine, which is basic and polar, with glutamine, which is neutral and polar, at codon 481 of the CKAP2L protein (p.Arg481Gln). This variant is present in population databases (no rsID available, gnomAD 0.05%). This variant has not been reported in the literature in individuals affected with CKAP2L-related conditions. Algorithms developed to predict the effect of missense changes on protein structure and function are either unavailable or do not agree on the potential impact of this missense change (SIFT: "Deleterious"; PolyPhen-2: "Probably Damaging"; Align-GVGD: "Class C0"). In summary, the available evidence is currently insufficient to determine the role of this variant in disease. Therefore, it has been classified as a Variant of Uncertain Significance.

NM_152515.5(CKAP2L):c.1442G>A (p.Arg481Gln)

Gene: CKAP2L (cytoskeleton associated protein 2 like; minus strand). Cytogenetic location: 2q14.1.
Variant type: single nucleotide variant.
Coding change: c.1442G>A on transcript NM_152515.5 (MANE Select); coding-DNA position 1442, G replaced by A.
Protein change: p.Arg481Gln; replaces arginine 481 with glutamine.
Molecular consequence: missense variant. On other transcripts: non-coding transcript variant (1).
Genome position (GRCh38, 1-based): chr2:112,752,427, C>T on the plus strand (G>A on the coding strand, the complement: CKAP2L is on the minus strand). VCF-style: chr2-112752427-C-T. GRCh37 (hg19) VCF-style: chr2-113510004-C-T.
Other names: c.947G>A, p.Arg316Gln (NM_001304361.2); short protein forms R316Q, R481Q.
Identifiers: ClinVar variation 2086373 (VCV002086373.1), dbSNP rs765968211, ClinGen allele CA1836646.